The following is an entry in ClinVar:

NM_178172.6(GPIHBP1):c.258C>G (p.Gly86=)

Gene: GPIHBP1 (glycosylphosphatidylinositol anchored high density lipoprotein binding protein 1; plus strand). Cytogenetic location: 8q24.3.
Variant type: single nucleotide variant.
Coding change: c.258C>G on transcript NM_178172.6 (MANE Select); coding-DNA position 258, C replaced by G.
Protein change: p.Gly86=; no amino-acid change (glycine 86 retained).
Molecular consequence: synonymous variant.
Genome position (GRCh38, 1-based): chr8:143,215,089, C>G. VCF-style: chr8-143215089-C-G. GRCh37 (hg19) VCF-style: chr8-144296964-C-G.
Other names: c.258C>G, p.Gly86= (NM_001301772.2).
Identifiers: ClinVar variation 978275 (VCV000978275.16), dbSNP rs545434518, ClinGen allele CA4907060.

ClinVar aggregate classification (germline): Likely benign. Review status: criteria provided, multiple submitters, no conflicts (2 of 4 stars). 5 submissions from 5 submitters: Likely benign (4). 1 of the submissions does not count toward it. Last evaluated 2025-04-08.

Conditions:
GPIHBP1-related disorder. Also called: GPIHBP1-related condition.
Cardiovascular phenotype. Identifiers: MedGen CN230736.

Allele frequency attached by ClinVar (database versions not stated): ExAC 0.00004; gnomAD exomes 0.00005 and 0.00010; gnomAD 0.00007; TOPMed 0.00008; 1000 Genomes Project 30x 0.00016; 1000 Genomes Project 0.00020.

Submissions (5):

Molecular Diagnostic Laboratory for Inherited Cardiovascular Disease, Montreal Heart Institute
Classification: Likely benign. Last evaluated: 2025-04-08. Review status: criteria provided, single submitter. Criteria: ACMG Guidelines, 2015. Collection method: clinical testing. Allele origin: germline. Affected: no.

Labcorp Genetics (formerly Invitae), Labcorp
Classification: Likely benign. Last evaluated: 2024-11-03. Review status: criteria provided, single submitter. Criteria: Invitae Variant Classification Sherloc (09022015). Collection method: clinical testing. Allele origin: germline.

Blueprint Genetics
Classification: Likely benign. Last evaluated: 2024-07-15. Review status: criteria provided, single submitter. Criteria: ACMG Guidelines, 2015. Collection method: clinical testing. Allele origin: germline.

Ambry Genetics
Classification: Likely benign for Cardiovascular phenotype. Last evaluated: 2020-03-16. Review status: criteria provided, single submitter. Criteria: Ambry Variant Classification Scheme 2023. Collection method: clinical testing. Allele origin: germline.

PreventionGenetics, part of Exact Sciences
Classification: Likely benign for GPIHBP1-related condition. Last evaluated: 2019-05-28. Review status: no assertion criteria provided. Collection method: clinical testing. Allele origin: germline. Not counted in ClinVar's aggregate classification.
Comment: This variant is classified as likely benign based on ACMG/AMP sequence variant interpretation guidelines (Richards et al. 2015 PMID: 25741868, with internal and published modifications).